The following is an entry in ClinVar:

ClinVar aggregate classification (germline): Uncertain significance (1 of 4 stars; one submission).

Conditions:
Glycine encephalopathy. Also called: Nonketotic hyperglycinemia; Non-ketotic hyperglycinemia. Identifiers: Orphanet 407, MedGen C0751748, MONDO:0011612, HP:0008288.

Submission:

Labcorp Genetics (formerly Invitae), Labcorp
Classification: Uncertain significance for Glycine encephalopathy. Last evaluated: 2024-12-09. Review status: criteria provided, single submitter. Criteria: Invitae Variant Classification Sherloc (09022015). Collection method: clinical testing. Allele origin: germline.
Comment: This sequence change replaces alanine, which is neutral and non-polar, with valine, which is neutral and non-polar, at codon 878 of the GLDC protein (p.Ala878Val). This variant is not present in population databases (gnomAD no frequency). This variant has not been reported in the literature in individuals affected with GLDC-related conditions. ClinVar contains an entry for this variant (Variation ID: 1383380). Invitae Evidence Modeling of protein sequence and biophysical properties (such as structural, functional, and spatial information, amino acid conservation, physicochemical variation, residue mobility, and thermodynamic stability) indicates that this missense variant is not expected to disrupt GLDC protein function with a negative predictive value of 95%. In summary, the available evidence is currently insufficient to determine the role of this variant in disease. Therefore, it has been classified as a Variant of Uncertain Significance.

NM_000170.3(GLDC):c.2633C>T (p.Ala878Val)

Gene: GLDC (glycine decarboxylase; minus strand). Cytogenetic location: 9p24.1.
Variant type: single nucleotide variant.
Coding change: c.2633C>T on transcript NM_000170.3 (MANE Select); coding-DNA position 2633, C replaced by T.
Protein change: p.Ala878Val; replaces alanine 878 with valine.
Molecular consequence: missense variant.
Genome position (GRCh38, 1-based): chr9:6,540,083, G>A on the plus strand (C>T on the coding strand, the complement: GLDC is on the minus strand). VCF-style: chr9-6540083-G-A. GRCh37 (hg19) VCF-style: chr9-6540083-G-A.
Other names: short protein forms A878V.
Identifiers: ClinVar variation 1383380 (VCV001383380.7), dbSNP rs2129663100, ClinGen allele CA372883549.